The following is an entry in ClinVar:

NM_000222.3(KIT):c.2116C>A (p.Leu706Ile)

Gene: KIT (KIT proto-oncogene, receptor tyrosine kinase; plus strand). Cytogenetic location: 4q12.
Variant type: single nucleotide variant.
Coding change: c.2116C>A on transcript NM_000222.3 (MANE Select); coding-DNA position 2116, C replaced by A.
Protein change: p.Leu706Ile; replaces leucine 706 with isoleucine.
Molecular consequence: missense variant.
Genome position (GRCh38, 1-based): chr4:54,729,460, C>A. VCF-style: chr4-54729460-C-A. GRCh37 (hg19) VCF-style: chr4-55595626-C-A.
Other names: c.2104C>A, p.Leu702Ile (NM_001093772.2, NM_001385286.1); c.2119C>A, p.Leu707Ile (NM_001385284.1, NM_001385290.1); c.2116C>A, p.Leu706Ile (NM_001385285.1); c.2107C>A, p.Leu703Ile (NM_001385288.1, NM_001385292.1); short protein forms L703I, L702I, L706I, L707I.
Identifiers: ClinVar variation 2830887 (VCV002830887.3), dbSNP rs1577998119, ClinGen allele CA356909816.

ClinVar aggregate classification (germline): Uncertain significance (1 of 4 stars; one submission).

Conditions:
Gastrointestinal stromal tumor. Also called: Gastrointestinal stromal tumor, somatic; Gastrointestinal stroma tumor. Identifiers: Orphanet 44890, MedGen C0238198, MeSH D046152, MONDO:0011719, OMIM 606764, HP:0100723.

Submission:

Labcorp Genetics (formerly Invitae), Labcorp
Classification: Uncertain significance for Gastrointestinal stromal tumor. Last evaluated: 2023-01-22. Review status: criteria provided, single submitter. Criteria: Invitae Variant Classification Sherloc (09022015). Collection method: clinical testing. Allele origin: germline.
Comment: In summary, the available evidence is currently insufficient to determine the role of this variant in disease. Therefore, it has been classified as a Variant of Uncertain Significance. Algorithms developed to predict the effect of missense changes on protein structure and function are either unavailable or do not agree on the potential impact of this missense change (SIFT: "Tolerated"; PolyPhen-2: "Possibly Damaging"; Align-GVGD: "Class C0"). This variant has not been reported in the literature in individuals affected with KIT-related conditions. This variant is not present in population databases (gnomAD no frequency). This sequence change replaces leucine, which is neutral and non-polar, with isoleucine, which is neutral and non-polar, at codon 706 of the KIT protein (p.Leu706Ile).